The following is an entry in ClinVar:

ClinVar aggregate classification (germline): Uncertain significance (1 of 4 stars; one submission).

Conditions:
Creatine transporter deficiency (CCDS1). Also called: Creatine Transporter (CRTR) Deficiency; Mental retardation , X-linked with seizures, short stature and midface hypoplasia; Mental retardation , X-linked, with creatine transport deficiency; X-linked creatine transporter deficiency; X-linked creatine deficiency syndrome; SLC6A8-Related Creatine Transporter Deficiency. Identifiers: Orphanet 52503, MedGen C1845862, MONDO:0010305, OMIM 300352.

Submission:

Institute of Human Genetics, University of Leipzig Medical Center
Classification: Uncertain significance for Creatine transporter deficiency. Last evaluated: 2020-03-01. Review status: criteria provided, single submitter. Criteria: ACMG Guidelines, 2015. Collection method: clinical testing. Allele origin: maternal. Inheritance: X-linked inheritance. Affected: yes.
Comment: Review of the variants reported in Reuter et al., 2017, PMID: 28097321: PM2,PM3_Supporting,PP3

NM_005629.4(SLC6A8):c.644A>G (p.Glu215Gly)

Gene: SLC6A8 (solute carrier family 6 member 8; plus strand). Cytogenetic location: Xq28.
Variant type: single nucleotide variant.
Coding change: c.644A>G on transcript NM_005629.4 (MANE Select); coding-DNA position 644, A replaced by G.
Protein change: p.Glu215Gly; replaces glutamic acid 215 with glycine.
Molecular consequence: missense variant.
Genome position (GRCh38, 1-based): chrX:153,691,553, A>G. VCF-style: chrX-153691553-A-G. GRCh37 (hg19) VCF-style: chrX-152957008-A-G.
Other names: c.644A>G, p.Glu215Gly (NM_001142805.2); c.299A>G, p.Glu100Gly (NM_001142806.1); short protein forms E100G, E215G.
Identifiers: ClinVar variation 984715 (VCV000984715.1), dbSNP rs2091456256, ClinGen allele CA415079524.
Genomic context (GRCh38, chrX:153,691,553, plus strand): 5'-TGGCCAACCTCACCTGTGACCAGCTTGCTGACCGCCGGTCCCCTGTCATCGAGTTCTGGG[A>G]GTGAGTCCGGCACCTCTGGGCCAAGCCCATCCCATCCCCCAGGTCTCCCTCATGTTGCCC-3'
Protein context (NP_005620.1, residues 205-225): DRRSPVIEFW[Glu215Gly]NKVLRLSGGL